The following is an entry in ClinVar:

ClinVar aggregate classification (germline): Pathogenic/Likely pathogenic. Review status: criteria provided, multiple submitters, no conflicts (2 of 4 stars). 4 submissions from 4 submitters: Pathogenic (2); Likely pathogenic (1). 1 of the submissions does not count toward it. Last evaluated 2024-12-09.

Conditions:
PMM2-congenital disorder of glycosylation. Also called: JAEKEN SYNDROME; Congenital disorder of glycosylation, type Ia; PHOSPHOMANNOMUTASE 2 DEFICIENCY; CARBOHYDRATE-DEFICIENT GLYCOPROTEIN SYNDROME, TYPE Ia; CDG Ia; PMM2-CDG. Identifiers: Orphanet 79318, MedGen C0349653, MONDO:0008907, OMIM 212065.

Submissions (4):

Natera, Inc.
Classification: Pathogenic for Congenital disorder of glycosylation type 1a. Last evaluated: 2024-12-09. Review status: criteria provided, single submitter. Criteria: Natera Variant Classification Schema (03/2026). Collection method: clinical testing. Allele origin: germline.
Comment: The c.451_454delGAAA variant in PMM2 is a frameshift variant predicted to shift the reading frame beginning at codon 151 and leads to a stop codon 2 codons downstream. This variant is expected to result in nonsense mediated decay, truncation, or a dysfunctional protein product. This variant is rare in the general population with a frequency below the threshold expected for the associated phenotype(s). This variant has been observed in one or more individuals affected with the associated recessive disease, as either homozygous or compound heterozygous with a second variant (PMID: 12626389, 34828263). Given the available evidence, this variant is classified as Pathogenic.

Labcorp Genetics (formerly Invitae), Labcorp
Classification: Pathogenic for PMM2-congenital disorder of glycosylation. Last evaluated: 2023-11-08. Review status: criteria provided, single submitter. Criteria: Invitae Variant Classification Sherloc (09022015). Collection method: clinical testing. Allele origin: germline.
Comment: This sequence change creates a premature translational stop signal (p.Glu151Ilefs*2) in the PMM2 gene. It is expected to result in an absent or disrupted protein product. Loss-of-function variants in PMM2 are known to be pathogenic (PMID: 19862844). This variant is present in population databases (no rsID available, gnomAD 0.0009%). This premature translational stop signal has been observed in individual(s) with PMM2-related conditions (PMID: 12626389). ClinVar contains an entry for this variant (Variation ID: 558721). Algorithms developed to predict the effect of sequence changes on RNA splicing suggest that this variant may disrupt the consensus splice site. For these reasons, this variant has been classified as Pathogenic.

Women's Health and Genetics/Laboratory Corporation of America, LabCorp
Classification: Likely pathogenic for PMM2-congenital disorder of glycosylation. Last evaluated: 2021-10-17. Review status: criteria provided, single submitter. Criteria: LabCorp Variant Classification Summary - May 2015. Collection method: clinical testing. Allele origin: germline.
Comment: Variant summary: PMM2 c.451_454delGAAA (p.Glu151IlefsX2) results in a premature termination codon, predicted to cause a truncation of the encoded protein or absence of the protein due to nonsense mediated decay, which are commonly known mechanisms for disease. Truncations downstream of this position have been classified as pathogenic by our laboratory. The variant allele was found at a frequency of 4e-06 in 251184 control chromosomes. c.451_454delGAAA has been reported in the literature as a compound heterozygous genotype in at-least one in individual affected with Congenital Disorder Of Glycosylation Type 1a and has been subsequently cited by others (example, Callewaert_2003, Schollen_2002). To our knowledge, no experimental evidence demonstrating an impact on protein function has been reported. One clinical diagnostic laboratory has submitted clinical-significance assessments for this variant to ClinVar after 2014 without evidence for independent evaluation and classified the variant as likely pathogenic. Based on the evidence outlined above, the variant was classified as likely pathogenic.

Counsyl
Classification: Likely pathogenic for PMM2-congenital disorder of glycosylation. Last evaluated: 2018-06-07. Review status: no assertion criteria provided. Collection method: clinical testing. Allele origin: unknown. Not counted in ClinVar's aggregate classification.

Literature cited by the submitters: PubMed 12626389 (cited by 4 submitters); PubMed 34828263 (cited by Natera, Inc.); PubMed 19862844 (cited by Labcorp Genetics (formerly Invitae), Labcorp); PubMed 12357336 (cited by Women's Health and Genetics/Laboratory Corporation of America, LabCorp).

NM_000303.3(PMM2):c.451_454del

Gene: PMM2 (phosphomannomutase 2; plus strand). Cytogenetic location: 16p13.2.
Variant type: Microsatellite.
Coding change: c.451_454del on transcript NM_000303.3 (MANE Select); coding-DNA positions 451 to 454, 4 bases deleted (GAAA; older notation c.451_454delGAAA).
Molecular consequence: splice acceptor variant.
Genome position (GRCh38, 1-based): chr16:8,811,641-8,811,644, GAAA deleted; deleting any 4 consecutive bases within chr16:8,811,636-8,811,644 gives the same sequence; the c. name uses the placement nearest the transcript's 3' end. VCF-style (leftmost placement, unchanged base first): chr16-8811635-CAGAA-C. GRCh37 (hg19) VCF-style: chr16-8905492-CAGAA-C.
Identifiers: ClinVar variation 558721 (VCV000558721.16), dbSNP rs1274794195, ClinGen allele CA620730585.
Genomic context (GRCh38, chr16:8,811,635, plus strand): 5'-GTTAAAACTGTGCTTTCTAAACTGCAATACAAGAAACAATTGGTATCTTTTTGTTTTTCT[CAGAA>C]AGAAAATATAAGACAAAAGTTTGTAGCAGATCTACGGAAAGAGTTTGCTGGAAAAGGCCT-3'